The following is an entry in ClinVar:

ClinVar aggregate classification (germline): Conflicting classifications of pathogenicity. Review status: criteria provided, conflicting classifications (1 of 4 stars). 10 submissions from 10 submitters: Uncertain significance (6); Likely benign (3). 1 of the submissions does not count toward it. Last evaluated 2026-01-16.

Conditions:
Hereditary breast ovarian cancer syndrome. Also called: Hereditary breast and ovarian cancer; Breast and ovarian cancer; Hereditary breast and ovarian cancer syndrome; Hereditary breast and ovarian cancer syndrome (HBOC); BRCA1- and BRCA2-Associated Hereditary Breast and Ovarian Cancer; Hereditary breast and/or ovarian cancer syndrome. Identifiers: Orphanet 145, MedGen C0677776, MeSH D061325, MONDO:0003582. Disease mechanism: loss of function.
Hereditary cancer-predisposing syndrome. Also called: Tumor predisposition; Hereditary Cancer Syndrome; Hereditary neoplastic syndrome; Neoplastic Syndromes, Hereditary. Identifiers: Orphanet 140162, MedGen C0027672, MeSH D009386, MONDO:0015356.
Lynch syndrome 5 (LYNCH5). Also called: Colorectal cancer, hereditary nonpolyposis, type 5; Hereditary non-polyposis colorectal cancer, type 5. Identifiers: Orphanet 144, MedGen C1833477, MONDO:0013710, OMIM 614350. Disease mechanism: loss of function.
Hereditary nonpolyposis colorectal neoplasms. Identifiers: MedGen C0009405, MeSH D003123.
Endometrial carcinoma. Also called: Endometrial carcinoma, somatic. Identifiers: MedGen C0476089, MONDO:0002447, OMIM 608089, HP:0012114.

Allele frequency attached by ClinVar (database versions not stated): TOPMed below 0.00001; gnomAD exomes 0.00001.
gnomAD v4.1: 11 of 1,614,218 alleles (0.00068%); highest among the groups gnomAD compares: East Asian, 0.0022%; no homozygotes.

Submissions (10):

Labcorp Genetics (formerly Invitae), Labcorp
Classification: Likely benign for Hereditary nonpolyposis colorectal neoplasms. Last evaluated: 2026-01-16. Review status: criteria provided, single submitter. Criteria: Invitae Variant Classification Sherloc (09022015). Collection method: clinical testing. Allele origin: germline.

German Consortium for Hereditary Breast and Ovarian Cancer, University Hospital Cologne
Classification: Likely benign for Hereditary breast ovarian cancer syndrome. Last evaluated: 2024-11-19. Review status: criteria provided, single submitter. Criteria: ClinGen MSH6 V1.0.0. Collection method: curation. Allele origin: germline.
Comment: According to the ClinGen InSiGHT ACMG MSH6 v1.0.0 criteria we chose these criteria: PM2 (supporting pathogenic): Grpmax Filtering AF = 0.000006814 (thus < 0,00002), BP4 (supporting benign): Applied prior : 0.10, BP5 (supporting benign): Domingo 2005, Berends 2002, Niessen 2006: j3 1x CRC MSI-L, BS3 (supporting benign): Drost (2012), PMID: 22102614 --> repair proficient

Baylor Genetics
Classification: Uncertain significance for Endometrial carcinoma. Last evaluated: 2024-03-24. Review status: criteria provided, single submitter. Criteria: ACMG Guidelines, 2015. Collection method: clinical testing. Allele origin: unknown.

Ambry Genetics
Classification: Uncertain significance for Hereditary cancer-predisposing syndrome. Last evaluated: 2023-12-15. Review status: criteria provided, single submitter. Criteria: Ambry Variant Classification Scheme 2023. Collection method: clinical testing. Allele origin: germline.
Comment: The p.Q522R variant (also known as c.1565A>G), located in coding exon 4 of the MSH6 gene, results from an A to G substitution at nucleotide position 1565. The glutamine at codon 522 is replaced by arginine, an amino acid with highly similar properties. This variant has been reported in multiple early-onset colorectal patients, including two whose tumors demonstrated intact MSH6 expression by IHC analysis (Berends MJ et al. Am. J. Hum. Genet. 2002 Jan; 70(1):26-37; Domingo E et al. Oncogene 2005 Jun; 24(24):3995-8; Niessen RC et al. Gut 2006 Dec; 55(12):1781-8). In an in vitro MMR assay, p.Q522R was classified as repair proficient due to its repair efficiency being significantly higher than repair-deficient controls (Drost M et al. Hum. Mutat. 2012 Mar; 33(3):488-94). This amino acid position is highly conserved in available vertebrate species. In addition, this alteration is predicted to be deleterious by in silico analysis. Since supporting evidence is limited at this time, the clinical significance of this alteration remains unclear.

GeneDx
Classification: Uncertain significance. Last evaluated: 2023-04-04. Review status: criteria provided, single submitter. Criteria: GeneDx Variant Classification Process June 2021. Collection method: clinical testing. Allele origin: germline. Affected: yes.
Comment: Not observed at significant frequency in large population cohorts (gnomAD); In silico analysis supports that this missense variant does not alter protein structure/function; Observed in at least four cases of early-onset colorectal cancers, most exhibiting normal MSI and/or IHC analyses, with no corresponding family having met Amsterdam I or II criteria for Lynch Syndrome (Berends et al., 2002; Domingo et al., 2005; Niessen et al., 2006); This variant is associated with the following publications: (PMID: 26333163, 11709755, 15782118, 24100870, 16636019, 18790734, 17531815, 21120944, 22102614)

Myriad Genetics, Inc.
Classification: Uncertain significance for Lynch syndrome 5. Last evaluated: 2023-03-30. Review status: criteria provided, single submitter. Criteria: Myriad Autosomal Dominant, Autosomal Recessive and X-Linked Classification Criteria (2023). Collection method: clinical testing. Allele origin: unknown.
Comment: This variant is classified as a variant of uncertain significance as there is insufficient evidence to determine its impact on protein function and/or cancer risk.

Sema4
Classification: Uncertain significance for Hereditary cancer-predisposing syndrome. Last evaluated: 2021-12-29. Review status: criteria provided, single submitter. Criteria: Sema4 Curation Guidelines. Collection method: curation. Allele origin: germline.
Comment: The MSH6 c.1565A>G (p.Q522R) variant has been reported in at least two individuals with colorectal cancer (PMID: 11709755, 15782118, 16636019). It was observed in 3/251306 chromosomes in the large and broad cohorts of the Genome Aggregation Database (PMID: 32461654). The variant has been reported in ClinVar (Variation ID 89200). In silico tools suggest the impact of the variant on protein function is inconclusive, however, functional studies demonstrated significantly higher mismatch repair (MMR) activity in an in vitro assay compared to repair-deficient controls (PMID: 22102614). The evidence is insufficient to meet ACMG/AMP criteria for classifying the variant as benign or pathogenic. Thus, the clinical significance of this variant is currently uncertain.

Women's Health and Genetics/Laboratory Corporation of America, LabCorp
Classification: Uncertain significance. Last evaluated: 2019-10-10. Review status: criteria provided, single submitter. Criteria: LabCorp Variant Classification Summary - May 2015. Collection method: clinical testing. Allele origin: germline.
Comment: Variant summary: MSH6 c.1565A>G (p.Gln522Arg) results in a conservative amino acid change located in the DNA mismatch repair protein MutS-like, N-terminal domain (IPR007695). Three of five in-silico tools predict a benign effect of the variant on protein function. The variant allele was found at a frequency of 1.2e-05 in 251306 control chromosomes (gnomAD). The available data on variant occurrences in the general population are insufficient to allow any conclusion about variant significance. c.1565A>G has been reported in the literature in at least 3 individuals affected with colorectal cancer, however the associated tumors in 2 of these cases were noted to be microsatellite stable (Berends_2002, Domingo_2005). These reports therefore do not provide unequivocal conclusions about association of the variant with Lynch Syndrome. Experimental evidence evaluating an impact on protein function demonstrated the variant protein has a repair efficiency that was significantly higher than repair-deficient controls (~75% of the wild-type), therefore was concluded to be repair proficient in this assay (Drost_2012). Five ClinVar submitters (evaluation after 2014) cite the variant as uncertain significance (4x) or likely benign (1x). Based on the evidence outlined above, the variant was classified as uncertain significance.

Color Diagnostics, LLC DBA Color Health
Classification: Likely benign for Hereditary cancer-predisposing syndrome. Last evaluated: 2016-10-28. Review status: criteria provided, single submitter. Criteria: ACMG Guidelines, 2015. Collection method: clinical testing. Allele origin: germline.

Counsyl
Classification: Uncertain significance for Lynch syndrome 5. Last evaluated: 2017-10-16. Review status: no assertion criteria provided. Collection method: clinical testing. Allele origin: unknown. Not counted in ClinVar's aggregate classification.

Literature cited by the submitters: PubMed 11709755 (cited by 3 submitters); PubMed 15782118 (cited by 3 submitters); PubMed 16636019 (cited by 4 submitters); PubMed 22102614 (cited by 4 submitters); PubMed 23621914 (cited by Women's Health and Genetics/Laboratory Corporation of America, LabCorp).

NM_000179.3(MSH6):c.1565A>G (p.Gln522Arg)

Gene: MSH6 (mutS homolog 6; plus strand). Cytogenetic location: 2p16.3.
Variant type: single nucleotide variant.
Coding change: c.1565A>G on transcript NM_000179.3 (MANE Select); coding-DNA position 1565, A replaced by G.
Protein change: p.Gln522Arg; replaces glutamine 522 with arginine.
Molecular consequence: missense variant.
Genome position (GRCh38, 1-based): chr2:47,799,548, A>G. VCF-style: chr2-47799548-A-G. GRCh37 (hg19) VCF-style: chr2-48026687-A-G.
Other names: c.1175A>G, p.Gln392Arg (NM_001281492.2); c.659A>G, p.Gln220Arg (NM_001281493.2, NM_001281494.2); short protein forms Q522R, Q220R, Q392R.
Identifiers: ClinVar variation 89200 (VCV000089200.30), dbSNP rs63751009, ClinGen allele CA008795.